The following is an entry in ClinVar:

NM_182919.4(TICAM1):c.514C>T (p.Pro172Ser)

Gene: TICAM1 (TIR domain containing adaptor molecule 1; minus strand). Cytogenetic location: 19p13.3.
Variant type: single nucleotide variant.
Coding change: c.514C>T on transcript NM_182919.4 (MANE Select); coding-DNA position 514, C replaced by T.
Protein change: p.Pro172Ser; replaces proline 172 with serine.
Molecular consequence: missense variant.
Genome position (GRCh38, 1-based): chr19:4,817,864, G>A on the plus strand (C>T on the coding strand, the complement: TICAM1 is on the minus strand). VCF-style: chr19-4817864-G-A. GRCh37 (hg19) VCF-style: chr19-4817876-G-A.
Other names: c.514C>T (NM_182919.2); short protein forms P172S.
Identifiers: ClinVar variation 836652 (VCV000836652.10), dbSNP rs753273529, ClinGen allele CA9105336.

ClinVar aggregate classification (germline): Uncertain significance. Review status: criteria provided, multiple submitters, no conflicts (2 of 4 stars). 2 submissions from 2 submitters: Uncertain significance (2). Last evaluated 2025-09-27.

Conditions:
Encephalopathy, acute, infection-induced (herpes-specific), susceptibility to, 6. Also called: Herpes simplex encephalitis, susceptibility to, 4. Identifiers: Orphanet 1930, MedGen C3553869, MONDO:0013921, OMIM 614850.

Allele frequency attached by ClinVar (database versions not stated): ExAC 0.00001; TOPMed 0.00007; gnomAD 0.00008 and 0.00007.
gnomAD v4.1: 16 of 1,612,948 alleles (0.00099%); highest among the groups gnomAD compares: African/African-American, 0.021%; no homozygotes.

Submissions (2):

Ambry Genetics
Classification: Uncertain significance. Last evaluated: 2025-09-27. Review status: criteria provided, single submitter. Criteria: Ambry Variant Classification Scheme 2023. Collection method: clinical testing. Allele origin: germline.

Labcorp Genetics (formerly Invitae), Labcorp
Classification: Uncertain significance for Encephalopathy, acute, infection-induced (herpes-specific), susceptibility to, 6. Last evaluated: 2024-02-24. Review status: criteria provided, single submitter. Criteria: Invitae Variant Classification Sherloc (09022015). Collection method: clinical testing. Allele origin: germline.
Comment: This sequence change replaces proline, which is neutral and non-polar, with serine, which is neutral and polar, at codon 172 of the TICAM1 protein (p.Pro172Ser). This variant is present in population databases (rs753273529, gnomAD 0.02%). This variant has not been reported in the literature in individuals affected with TICAM1-related conditions. ClinVar contains an entry for this variant (Variation ID: 836652). Algorithms developed to predict the effect of missense changes on protein structure and function output the following: SIFT: "Not Available"; PolyPhen-2: "Benign"; Align-GVGD: "Not Available". The serine amino acid residue is found in multiple mammalian species, which suggests that this missense change does not adversely affect protein function. In summary, the available evidence is currently insufficient to determine the role of this variant in disease. Therefore, it has been classified as a Variant of Uncertain Significance.